The following is an entry in ClinVar:

NM_002641.4(PIGA):c.1177A>G (p.Arg393Gly)

Gene: PIGA (phosphatidylinositol glycan anchor biosynthesis class A; minus strand). Cytogenetic location: Xp22.2.
Variant type: single nucleotide variant.
Coding change: c.1177A>G on transcript NM_002641.4 (MANE Select); coding-DNA position 1177, A replaced by G.
Protein change: p.Arg393Gly; replaces arginine 393 with glycine.
Molecular consequence: missense variant. On other transcripts: non-coding transcript variant (2).
Genome position (GRCh38, 1-based): chrX:15,324,676, T>C on the plus strand (A>G on the coding strand, the complement: PIGA is on the minus strand). VCF-style: chrX-15324676-T-C. GRCh37 (hg19) VCF-style: chrX-15342798-T-C.
Other names: c.475A>G, p.Arg159Gly (NM_020473.3); short protein forms R393G, R159G.
Identifiers: ClinVar variation 864122 (VCV000864122.13), dbSNP rs781095752, ClinGen allele CA10354083.

ClinVar aggregate classification (germline): Uncertain significance. Review status: criteria provided, multiple submitters, no conflicts (2 of 4 stars). 3 submissions from 3 submitters: Uncertain significance (3). Last evaluated 2025-01-21.

Conditions:
Inborn genetic diseases. Identifiers: MedGen C0950123, MeSH D030342.
Multiple congenital anomalies-hypotonia-seizures syndrome 2 (MCAHS2). Also called: GLYCOSYLPHOSPHATIDYLINOSITOL BIOSYNTHESIS DEFECT 4; EPILEPTIC ENCEPHALOPATHY, EARLY INFANTILE, 20. Identifiers: Orphanet 300496, MedGen C3275508, MONDO:0010466, OMIM 300868.

Allele frequency attached by ClinVar (database versions not stated): gnomAD exomes below 0.00001 and 0.00001; ExAC 0.00001; TOPMed 0.00001.
gnomAD v4.1: 1 of 1,198,371 alleles (0.000083%); highest among the groups gnomAD compares: Non-Finnish European, 0.00011%; no homozygotes.

Submissions (3):

Ambry Genetics
Classification: Uncertain significance for Inborn genetic diseases. Last evaluated: 2025-01-21. Review status: criteria provided, single submitter. Criteria: Ambry Variant Classification Scheme 2023. Collection method: clinical testing. Allele origin: germline.

Victorian Clinical Genetics Services, Murdoch Childrens Research Institute
Classification: Uncertain significance for Multiple congenital anomalies-hypotonia-seizures syndrome 2. Last evaluated: 2022-02-02. Review status: criteria provided, single submitter. Criteria: ACMG Guidelines, 2015. Collection method: clinical testing. Allele origin: germline. Inheritance: X-linked recessive inheritance. Affected: yes.
Comment: Based on the classification scheme VCGS_Germline_v1.3.4, this variant is classified as VUS-3B. Following criteria are met: 0102 - Loss of function is a known mechanism of disease in this gene and is associated with multiple congenital anomalies-hypotonia-seizures syndrome 2 (MIM#300868). (I) 0109 - This gene is associated with X-linked recessive disease. (I) 0200 - Variant is predicted to result in a missense amino acid change from arginine to glycine. (I) 0253 - This variant is hemizygous. (I) 0304 - Variant is present in gnomAD (v2) <0.01 for a recessive condition (0 heterozygotes, 0 homozygotes, 1 hemizygote). (SP) 0501 - Missense variant consistently predicted to be damaging by multiple in silico tools or highly conserved with a major amino acid change. (SP) 0600 - Variant is located in the annotated GT4_PIG-A-like domain (NCBI). (I) 0705 - No comparable missense variants have previous evidence for pathogenicity. (I) 0809 - Previous evidence of pathogenicity for this variant is inconclusive. This variant has been reported once as a VUS (ClinVar). (I) 0905 - No published segregation evidence has been identified for this variant. (I) 1007 - No published functional evidence has been identified for this variant. (I) Legend: (SP) - Supporting pathogenic, (I) - Information, (SB) - Supporting benign

Labcorp Genetics (formerly Invitae), Labcorp
Classification: Uncertain significance for Multiple congenital anomalies-hypotonia-seizures syndrome 2. Last evaluated: 2021-09-20. Review status: criteria provided, single submitter. Criteria: Invitae Variant Classification Sherloc (09022015). Collection method: clinical testing. Allele origin: germline.
Comment: In summary, the available evidence is currently insufficient to determine the role of this variant in disease. Therefore, it has been classified as a Variant of Uncertain Significance. Algorithms developed to predict the effect of missense changes on protein structure and function (SIFT, PolyPhen-2, Align-GVGD) all suggest that this variant is likely to be disruptive. This variant has not been reported in the literature in individuals affected with PIGA-related conditions. This variant is present in population databases (rs781095752, ExAC 0.002%), including at least one homozygous and/or hemizygous individual. This sequence change replaces arginine with glycine at codon 393 of the PIGA protein (p.Arg393Gly). The arginine residue is highly conserved and there is a moderate physicochemical difference between arginine and glycine.